The following is an entry in ClinVar:

NM_002843.4(PTPRJ):c.3664G>A (p.Val1222Ile)

Gene: PTPRJ (protein tyrosine phosphatase receptor type J; plus strand). Cytogenetic location: 11p11.2.
Variant type: single nucleotide variant.
Coding change: c.3664G>A on transcript NM_002843.4 (MANE Select); coding-DNA position 3664, G replaced by A.
Protein change: p.Val1222Ile; replaces valine 1222 with isoleucine.
Molecular consequence: missense variant.
Genome position (GRCh38, 1-based): chr11:48,163,563, G>A. VCF-style: chr11-48163563-G-A. GRCh37 (hg19) VCF-style: chr11-48185115-G-A.
Other names: short protein forms V1222I.
Identifiers: ClinVar variation 3035511 (VCV003035511.2), dbSNP rs143897534, ClinGen allele CA5982813.
Genomic context (GRCh38, chr11:48,163,563, plus strand): 5'-TCCTGGCCAGACCACGGTGTTCCCGACACCACTGACCTGCTCATCAACTTCCGGTACCTC[G>A]TTCGTGACTACATGAAGCAGAGTCCTCCCGAATCGCCGATTCTGGTGCATTGCAGGTACG-3'
Protein context (NP_002834.3, residues 1212-1232): TDLLINFRYL[Val1222Ile]RDYMKQSPPE

ClinVar aggregate classification (germline): Likely benign (0 of 4 stars; one submission).

Conditions:
PTPRJ-related disorder. Also called: PTPRJ-related condition.

Allele frequency attached by ClinVar (database versions not stated): ESP Exome Variant Server 0.00008; TOPMed 0.00008; gnomAD 0.00031; gnomAD exomes 0.00044; ExAC 0.00102; 1000 Genomes Project 30x 0.00125; 1000 Genomes Project 0.00140.
gnomAD v4.1: 710 of 1,613,954 alleles (0.044%); highest among the groups gnomAD compares: South Asian, 0.6%; 19 homozygotes.

Submission:

PreventionGenetics, part of Exact Sciences
Classification: Likely benign for PTPRJ-related condition. Last evaluated: 2019-03-20. Review status: no assertion criteria provided. Collection method: clinical testing. Allele origin: germline.
Comment: This variant is classified as likely benign based on ACMG/AMP sequence variant interpretation guidelines (Richards et al. 2015 PMID: 25741868, with internal and published modifications).